The following is an entry in ClinVar:

ClinVar aggregate classification (germline): Likely pathogenic (1 of 4 stars; one submission).

Conditions:
Joubert syndrome. Also called: CEREBELLOPARENCHYMAL DISORDER IV; JOUBERT-BOLTSHAUSER SYNDROME; Familial aplasia of the vermis. Identifiers: Orphanet 475, MedGen C5979921, MONDO:0018772.
Meckel-Gruber syndrome. Also called: DYSENCEPHALIA SPLANCHNOCYSTICA; GRUBER SYNDROME; Dysencephalia splachnocystica. Identifiers: Orphanet 564, MedGen C0265215, MONDO:0018921.

Submission:

Labcorp Genetics (formerly Invitae), Labcorp
Classification: Likely pathogenic for Joubert syndrome; Meckel-Gruber syndrome. Last evaluated: 2025-11-18. Review status: criteria provided, single submitter. Criteria: Invitae Variant Classification Sherloc (09022015). Collection method: clinical testing. Allele origin: germline.
Comment: This sequence change falls in intron 12 of the TMEM67 gene. It does not directly change the encoded amino acid sequence of the TMEM67 protein. RNA analysis indicates that this variant induces altered splicing and may result in an absent or altered protein product. This variant is present in population databases (rs780230204, gnomAD 0.06%). This variant has been observed in individual(s) with clinical features of TMEM67-related conditions (PMID: 35229910). In at least one individual the data is consistent with being in trans (on the opposite chromosome) from a pathogenic variant. ClinVar contains an entry for this variant (Variation ID: 2922881). Studies have shown that this variant results in activation of a cryptic splice site, and produces a non-functional protein and/or introduces a premature termination codon (PMID: 36221156). In summary, the currently available evidence indicates that the variant is pathogenic, but additional data are needed to prove that conclusively. Therefore, this variant has been classified as Likely Pathogenic.

Literature cited by the submitters: PubMed 35229910; PubMed 36221156.

NM_153704.6(TMEM67):c.1289-16_1289-12del

Gene: TMEM67 (transmembrane protein 67; plus strand). Cytogenetic location: 8q22.1.
Variant type: Deletion.
Coding change: c.1289-16_1289-12del on transcript NM_153704.6 (MANE Select); 16 bases into the intron before coding-DNA position 1289 through 12 bases into the intron before coding-DNA position 1289, 5 bases deleted (CTTTT; older notation c.1289-16_1289-12delCTTTT).
Molecular consequence: intron variant.
Genome position (GRCh38, 1-based): chr8:93,786,207-93,786,211, CTTTT deleted; deleting any 5 consecutive bases within chr8:93,786,203-93,786,211 gives the same sequence; the c. name uses the placement nearest the transcript's 3' end. VCF-style (leftmost placement, unchanged base first): chr8-93786202-TTTTTC-T. GRCh37 (hg19) VCF-style: chr8-94798430-TTTTTC-T.
Other names: c.1046-16_1046-12del (NM_001142301.1).
Identifiers: ClinVar variation 2922881 (VCV002922881.3), dbSNP rs780230204, ClinGen allele CA4807922.